The following is an entry in ClinVar:

NM_003119.4(SPG7):c.1048C>T (p.Pro350Ser)

Gene: SPG7 (SPG7 matrix AAA peptidase subunit, paraplegin; plus strand). Cytogenetic location: 16q24.3.
Variant type: single nucleotide variant.
Coding change: c.1048C>T on transcript NM_003119.4 (MANE Select); coding-DNA position 1048, C replaced by T.
Protein change: p.Pro350Ser; replaces proline 350 with serine.
Molecular consequence: missense variant.
Genome position (GRCh38, 1-based): chr16:89,531,964, C>T. VCF-style: chr16-89531964-C-T. GRCh37 (hg19) VCF-style: chr16-89598372-C-T.
Other names: c.1048C>T, p.Pro350Ser (NM_001363850.1, NM_199367.3); short protein forms P350S.
Identifiers: ClinVar variation 215222 (VCV000215222.9), dbSNP rs199789849, ClinGen allele CA323771.

ClinVar aggregate classification (germline): Uncertain significance. Review status: criteria provided, multiple submitters, no conflicts (2 of 4 stars). 4 submissions from 4 submitters: Uncertain significance (4). Last evaluated 2025-10-13.

Conditions:
Hereditary spastic paraplegia 7 (SPG7). Also called: Spastic paraplegia 7; Hereditary spastic paraplegia Paraplegin type; Autosomal recessive spastic paraplegia type 7; SPASTIC PARAPLEGIA 7, AUTOSOMAL RECESSIVE, WITH OR WITHOUT CEREBELLAR ATAXIA; SPG7-related neurologic disorder. Identifiers: Orphanet 99013, MedGen C1846564, MONDO:0011803, OMIM 607259.

Allele frequency attached by ClinVar (database versions not stated): TOPMed 0.00006.
gnomAD v4.1: 42 of 1,613,804 alleles (0.0026%); highest among the groups gnomAD compares: Admixed American, 0.025%; no homozygotes.

Submissions (4):

Labcorp Genetics (formerly Invitae), Labcorp
Classification: Uncertain significance for Hereditary spastic paraplegia 7. Last evaluated: 2025-10-13. Review status: criteria provided, single submitter. Criteria: Invitae Variant Classification Sherloc (09022015). Collection method: clinical testing. Allele origin: germline.
Comment: This sequence change replaces proline, which is neutral and non-polar, with serine, which is neutral and polar, at codon 350 of the SPG7 protein (p.Pro350Ser). This variant is present in population databases (rs199789849, gnomAD 0.02%). This missense change has been observed in individual(s) with clinical features of autosomal dominant optic atrophy (PMID: 32548275, 33841295). ClinVar contains an entry for this variant (Variation ID: 215222). Invitae Evidence Modeling of protein sequence and biophysical properties (such as structural, functional, and spatial information, amino acid conservation, physicochemical variation, residue mobility, and thermodynamic stability) indicates that this missense variant is expected to disrupt SPG7 protein function with a positive predictive value of 80%. In summary, the available evidence is currently insufficient to determine the role of this variant in disease. Therefore, it has been classified as a Variant of Uncertain Significance.

Department of Pathology and Laboratory Medicine, Sinai Health System
Classification: Uncertain significance for Hereditary spastic paraplegia 7. Last evaluated: 2023-04-24. Review status: criteria provided, single submitter. Criteria: ACMG Guidelines, 2015. Collection method: research. Allele origin: germline.

Fulgent Genetics
Classification: Uncertain significance for Hereditary spastic paraplegia 7. Last evaluated: 2021-09-11. Review status: criteria provided, single submitter. Criteria: ACMG Guidelines, 2015. Collection method: clinical testing. Allele origin: unknown.

Blueprint Genetics
Classification: Uncertain significance. Last evaluated: 2021-07-14. Review status: criteria provided, single submitter. Criteria: ACMG Guidelines, 2015. Collection method: clinical testing. Allele origin: germline.

Literature cited by the submitters: PubMed 32548275 (cited by Labcorp Genetics (formerly Invitae), Labcorp); PubMed 33841295 (cited by Labcorp Genetics (formerly Invitae), Labcorp).